The following is an entry in ClinVar:

ClinVar aggregate classification (germline): Pathogenic. Review status: criteria provided, multiple submitters, no conflicts (2 of 4 stars). 2 submissions from 2 submitters: Pathogenic (2). Last evaluated 2021-10-11.

Conditions:
Long QT syndrome (LQTS). Identifiers: MedGen C0023976, MeSH D008133, MONDO:0002442. Disease mechanism: loss of function. Inheritance: Various modes of inheritance.
Cardiovascular phenotype. Identifiers: MedGen CN230736.

Allele frequency attached by ClinVar (database versions not stated): gnomAD exomes below 0.00001.
gnomAD v4.1: 1 of 1,614,096 alleles (0.000062%); highest among the groups gnomAD compares: Non-Finnish European, 0.000085%; no homozygotes.

Submissions (2):

Labcorp Genetics (formerly Invitae), Labcorp
Classification: Pathogenic for Long QT syndrome. Last evaluated: 2021-10-11. Review status: criteria provided, single submitter. Criteria: Invitae Variant Classification Sherloc (09022015). Collection method: clinical testing. Allele origin: germline.
Comment: For these reasons, this variant has been classified as Pathogenic. Loss-of-function variants in KCNQ1 are known to be pathogenic (PMID: 9323054, 19862833). This variant has not been reported in the literature in individuals with KCNQ1-related disease. This variant is not present in population databases (ExAC no frequency). This sequence change creates a premature translational stop signal (p.Gln361*) in the KCNQ1 gene. It is expected to result in an absent or disrupted protein product.

Ambry Genetics
Classification: Pathogenic for Cardiovascular phenotype. Last evaluated: 2021-06-07. Review status: criteria provided, single submitter. Criteria: Ambry Variant Classification Scheme 2023. Collection method: clinical testing. Allele origin: germline.
Comment: The p.Q361* pathogenic mutation (also known as c.1081C>T), located in coding exon 8 of the KCNQ1 gene, results from a C to T substitution at nucleotide position 1081. This changes the amino acid from a glutamine to a stop codon within coding exon 8. This alteration is expected to result in loss of function by premature protein truncation or nonsense-mediated mRNA decay. As such, this alteration is interpreted as a disease-causing mutation.

Literature cited by the submitters: PubMed 9323054 (cited by Labcorp Genetics (formerly Invitae), Labcorp); PubMed 19862833 (cited by Labcorp Genetics (formerly Invitae), Labcorp).

NM_000218.3(KCNQ1):c.1081C>T (p.Gln361Ter)

Gene: KCNQ1 (potassium voltage-gated channel subfamily Q member 1; plus strand). Cytogenetic location: 11p15.5.
Variant type: single nucleotide variant.
Coding change: c.1081C>T on transcript NM_000218.3 (MANE Select); coding-DNA position 1081, C replaced by T.
Protein change: p.Gln361Ter; replaces glutamine 361 with a stop codon.
Molecular consequence: nonsense.
Genome position (GRCh38, 1-based): chr11:2,585,260, C>T. VCF-style: chr11-2585260-C-T. GRCh37 (hg19) VCF-style: chr11-2606490-C-T.
Other names: c.811C>T, p.Gln271Ter (NM_001406837.1); c.700C>T, p.Gln234Ter (NM_181798.2); short protein forms Q234*, Q361*, Q271*.
Identifiers: ClinVar variation 200901 (VCV000200901.14), dbSNP rs794728571, ClinGen allele CA005213.